The following is an entry in ClinVar:

NM_024996.7(GFM1):c.234+1G>T

Gene: GFM1 (G elongation factor mitochondrial 1; plus strand). Cytogenetic location: 3q25.32.
Variant type: single nucleotide variant.
Coding change: c.234+1G>T on transcript NM_024996.7 (MANE Select); the canonical splice donor site of the intron after coding-DNA position 234, G replaced by T.
Molecular consequence: splice donor variant.
Genome position (GRCh38, 1-based): chr3:158,645,782, G>T. VCF-style: chr3-158645782-G-T. GRCh37 (hg19) VCF-style: chr3-158363571-G-T.
Other names: c.234+1G>T (NM_001308164.2, NM_001374355.1, NM_001374356.1 and 2 more transcripts); c.9+1G>T (NM_001374357.1); c.5+1G>T (NM_001374359.1, NM_001374360.1, NM_001374361.1).
Identifiers: ClinVar variation 1066005 (VCV001066005.8), dbSNP rs747437028, ClinGen allele CA2682254.
Genomic context (GRCh38, chr3:158,645,782, plus strand): 5'-AAAACTACATTAACAGAACGAGTCCTTTACTACACTGGCAGAATTGCAAAGATGCATGAG[G>T]TATATATTCACGGTTGATTCCGGATTAATTAGAACCAGATTTTAATTGTTTTGTTGCTAT-3'

ClinVar aggregate classification (germline): Likely pathogenic (1 of 4 stars; one submission).

Allele frequency attached by ClinVar (database versions not stated): gnomAD exomes below 0.00001; ExAC 0.00001.
gnomAD v4.1: 1 of 1,609,012 alleles (0.000062%); highest among the groups gnomAD compares: Non-Finnish European, 0.000085%; no homozygotes.

Submissions (2):

Labcorp Genetics (formerly Invitae), Labcorp
Classification: Likely pathogenic. Last evaluated: 2021-12-07. Review status: criteria provided, single submitter. Criteria: Invitae Variant Classification Sherloc (09022015). Collection method: clinical testing. Allele origin: germline.
Comment: This sequence change affects a donor splice site in intron 2 of the GFM1 gene. It is expected to disrupt RNA splicing. Variants that disrupt the donor or acceptor splice site typically lead to a loss of protein function (PMID: 16199547), and loss-of-function variants in GFM1 are known to be pathogenic (PMID: 16632485, 17160893). The frequency data for this variant in the population databases is considered unreliable, as metrics indicate poor data quality at this position in the gnomAD database. This variant has not been reported in the literature in individuals affected with GFM1-related conditions. ClinVar contains an entry for this variant (Variation ID: 1066005). Algorithms developed to predict the effect of sequence changes on RNA splicing suggest that this variant may disrupt the consensus splice site. In summary, the currently available evidence indicates that the variant is pathogenic, but additional data are needed to prove that conclusively. Therefore, this variant has been classified as Likely Pathogenic.

Dr. Peter K. Rogan Lab, Western University
No classification provided (evidence only). Condition: Malignant tumor of urinary bladder. Review status: no classification provided. Collection method: in vitro. Allele origin: not applicable. Functional consequence: skipped exon. Not counted in ClinVar's aggregate classification.

Literature cited by the submitters: PubMed 16199547 (cited by Labcorp Genetics (formerly Invitae), Labcorp); PubMed 16632485 (cited by Labcorp Genetics (formerly Invitae), Labcorp); PubMed 17160893 (cited by Labcorp Genetics (formerly Invitae), Labcorp).